The following is an entry in ClinVar:

ClinVar aggregate classification (germline): Benign. Review status: criteria provided, multiple submitters, no conflicts (2 of 4 stars). 10 submissions from 10 submitters: Benign (7). 3 of the submissions do not count toward it. Last evaluated 2026-02-04.

Conditions:
Cardiovascular phenotype. Identifiers: MedGen CN230736.
Spinocerebellar ataxia type 19/22 (SCA19). Also called: SPINOCEREBELLAR ATAXIA 19; SPINOCEREBELLAR ATAXIA 22. Identifiers: Orphanet 98772, MedGen C1846367, MONDO:0011819, OMIM 607346.

Allele frequency attached by ClinVar (database versions not stated): 1000 Genomes Project 0.04712; 1000 Genomes Project 30x 0.04981; TOPMed 0.08129; gnomAD 0.08233 and 0.08351; gnomAD exomes 0.08421; ExAC 0.08861; ESP Exome Variant Server 0.09534.
gnomAD v4.1: 171,629 of 1,612,354 alleles (11%); highest among the groups gnomAD compares: Non-Finnish European, 12%; 10,185 homozygotes.

Submissions (10):

Labcorp Genetics (formerly Invitae), Labcorp
Classification: Benign for Spinocerebellar ataxia type 19/22. Last evaluated: 2026-02-04. Review status: criteria provided, single submitter. Criteria: Invitae Variant Classification Sherloc (09022015). Collection method: clinical testing. Allele origin: germline.

Women's Health and Genetics/Laboratory Corporation of America, LabCorp
Classification: Benign. Last evaluated: 2023-04-05. Review status: criteria provided, single submitter. Criteria: LabCorp Variant Classification Summary - May 2015. Collection method: clinical testing. Allele origin: germline.

Mayo Clinic Laboratories, Mayo Clinic
Classification: Benign. Last evaluated: 2022-04-26. Review status: criteria provided, single submitter. Criteria: ACMG Guidelines, 2015. Collection method: clinical testing. Allele origin: germline. Observed: 184 variant alleles.

GeneDx
Classification: Benign. Last evaluated: 2016-09-28. Review status: criteria provided, single submitter. Criteria: GeneDx Variant Classification (06012015). Collection method: clinical testing. Allele origin: germline. Affected: yes.
Comment: This variant is considered likely benign or benign based on one or more of the following criteria: it is a conservative change, it occurs at a poorly conserved position in the protein, it is predicted to be benign by multiple in silico algorithms, and/or has population frequency not consistent with disease.

PreventionGenetics, part of Exact Sciences
Classification: Benign. Last evaluated: 2016-03-23. Review status: criteria provided, single submitter. Criteria: ACMG Guidelines, 2015. Collection method: clinical testing. Allele origin: germline.

Ambry Genetics
Classification: Benign for Cardiovascular phenotype. Last evaluated: 2015-06-18. Review status: criteria provided, single submitter. Criteria: Ambry Variant Classification Scheme 2023. Collection method: clinical testing. Allele origin: germline.

Breakthrough Genomics
Classification: Benign. Review status: criteria provided, single submitter. Criteria: ACMG Guidelines, 2015. Collection method: not provided. Allele origin: germline. Inheritance: Autosomal dominant inheritance. Affected: yes.

Clinical Genetics DNA and cytogenetics Diagnostics Lab, Erasmus MC, Erasmus Medical Center
Classification: Benign. Review status: no assertion criteria provided. Collection method: clinical testing. Allele origin: germline. Affected: yes. Study: VKGL Data-share Consensus. Not counted in ClinVar's aggregate classification.

Clinical Genetics, Academic Medical Center
Classification: Benign. Review status: no assertion criteria provided. Collection method: clinical testing. Allele origin: germline. Affected: yes. Study: VKGL Data-share Consensus. Not counted in ClinVar's aggregate classification.

Genetic Services Laboratory, University of Chicago
Classification: Likely benign for AllHighlyPenetrant. Review status: no assertion criteria provided. Collection method: clinical testing. Allele origin: germline. Inheritance: Autosomal dominant inheritance. Not counted in ClinVar's aggregate classification.
Comment: Likely benign based on allele frequency in 1000 Genomes Project or ESP global frequency and its presence in a patient with a rare or unrelated disease phenotype. NOT Sanger confirmed.

NM_001378969.1(KCND3):c.264C>T (p.Pro88=)

Gene: KCND3 (potassium voltage-gated channel subfamily D member 3; minus strand). Cytogenetic location: 1p13.2.
Variant type: single nucleotide variant.
Coding change: c.264C>T on transcript NM_001378969.1 (MANE Select); coding-DNA position 264, C replaced by T.
Protein change: p.Pro88=; no amino-acid change (proline 88 retained).
Molecular consequence: synonymous variant.
Genome position (GRCh38, 1-based): chr1:111,982,463, G>A on the plus strand (C>T on the coding strand, the complement: KCND3 is on the minus strand). VCF-style: chr1-111982463-G-A. GRCh37 (hg19) VCF-style: chr1-112525085-G-A.
Other names: p.Pro88=; c.264C>T, p.Pro88= (NM_001378970.1, NM_004980.5, NM_172198.3).
Identifiers: ClinVar variation 129314 (VCV000129314.25), dbSNP rs17221819, ClinGen allele CA153261.